The following is an entry in ClinVar:

NM_004960.4(FUS):c.623A>G (p.Tyr208Cys)

Gene: FUS (FUS RNA binding protein; plus strand). Cytogenetic location: 16p11.2.
Variant type: single nucleotide variant.
Coding change: c.623A>G on transcript NM_004960.4 (MANE Select); coding-DNA position 623, A replaced by G.
Protein change: p.Tyr208Cys; replaces tyrosine 208 with cysteine.
Molecular consequence: missense variant. On other transcripts: non-coding transcript variant (1).
Genome position (GRCh38, 1-based): chr16:31,185,038, A>G. VCF-style: chr16-31185038-A-G. GRCh37 (hg19) VCF-style: chr16-31196359-A-G.
Other names: c.620A>G, p.Tyr207Cys (NM_001170634.1); c.611A>G, p.Tyr204Cys (NM_001170937.1); short protein forms Y207C, Y208C, Y204C.
Identifiers: ClinVar variation 2934074 (VCV002934074.3), dbSNP rs1424075127, ClinGen allele CA395669875.

ClinVar aggregate classification (germline): Uncertain significance (1 of 4 stars; one submission).

Conditions:
Amyotrophic lateral sclerosis type 6. Also called: FUS-Related Amyotrophic Laterial Sclerosis; AMYOTROPHIC LATERAL SCLEROSIS 6 WITHOUT FRONTOTEMPORAL DEMENTIA; Amyotrophic lateral sclerosis 6, with or without frontotemporal dementia. Identifiers: Orphanet 275872, Orphanet 803, MedGen C2931786, MONDO:0011951, OMIM 608030.
Tremor, hereditary essential, 4 (ETM4). Identifiers: MedGen C3539195, MONDO:0013888, OMIM 614782.

Allele frequency attached by ClinVar (database versions not stated): TOPMed below 0.00001; gnomAD 0.00001.
gnomAD v4.1: 7 of 1,612,568 alleles (0.00043%); highest among the groups gnomAD compares: East Asian, 0.0022%; no homozygotes.

Submission:

Labcorp Genetics (formerly Invitae), Labcorp
Classification: Uncertain significance for Tremor, hereditary essential, 4; Amyotrophic lateral sclerosis type 6. Last evaluated: 2023-12-01. Review status: criteria provided, single submitter. Criteria: Invitae Variant Classification Sherloc (09022015). Collection method: clinical testing. Allele origin: germline.
Comment: This sequence change replaces tyrosine, which is neutral and polar, with cysteine, which is neutral and slightly polar, at codon 208 of the FUS protein (p.Tyr208Cys). This variant is present in population databases (no rsID available, gnomAD 0.005%). This variant has not been reported in the literature in individuals affected with FUS-related conditions. Experimental studies and prediction algorithms are not available or were not evaluated, and the functional significance of this variant is currently unknown. In summary, the available evidence is currently insufficient to determine the role of this variant in disease. Therefore, it has been classified as a Variant of Uncertain Significance.